The following is an entry in ClinVar:

NM_002641.4(PIGA):c.167T>C (p.Leu56Pro)

Gene: PIGA (phosphatidylinositol glycan anchor biosynthesis class A; minus strand). Cytogenetic location: Xp22.2.
Variant type: single nucleotide variant.
Coding change: c.167T>C on transcript NM_002641.4 (MANE Select); coding-DNA position 167, T replaced by C.
Protein change: p.Leu56Pro; replaces leucine 56 with proline.
Molecular consequence: missense variant. On other transcripts: non-coding transcript variant (1), intron variant (1).
Genome position (GRCh38, 1-based): chrX:15,331,764, A>G on the plus strand (T>C on the coding strand, the complement: PIGA is on the minus strand). VCF-style: chrX-15331764-A-G. GRCh37 (hg19) VCF-style: chrX-15349886-A-G.
Other names: c.13+3737T>C (NM_020473.3); short protein forms L56P.
Identifiers: ClinVar variation 2502424 (VCV002502424.1), dbSNP rs2519331972, ClinGen allele CA412341098.

ClinVar aggregate classification (germline): Uncertain significance (0 of 4 stars; one submission).

Conditions:
Paroxysmal nocturnal hemoglobinuria 1 (PNH1). Identifiers: Orphanet 447, MedGen C3806670, MONDO:0010438, OMIM 300818.

Submission:

Pangenia Genomics, Pangenia Inc.
Classification: Uncertain significance for Paroxysmal nocturnal hemoglobinuria 1. Last evaluated: 2021-11-25. Review status: no assertion criteria provided. Collection method: research. Allele origin: somatic. Inheritance: Somatic mutation. Affected: yes.
Comment: The PIGA, c.167T>C (p.Leu56Pro) variant is absent from the gnomAD v2.1.1 dataset with good coverage of the locus. Multiple computational prediction tools and conservation analysis support that this variant is probably damaging to the protein function (REVEL = 0.8769).